The following is an entry in ClinVar:

ClinVar aggregate classification (germline): Likely benign. Review status: criteria provided, multiple submitters, no conflicts (2 of 4 stars). 5 submissions from 5 submitters: Likely benign (5). Last evaluated 2025-12-13.

Conditions:
Cardiovascular phenotype. Identifiers: MedGen CN230736.
CSRP3-related disorder. Also called: CSRP3-related condition; CSRP3-related disorders.
Hypertrophic cardiomyopathy 12. Identifiers: MedGen C2677491, MONDO:0012804, OMIM 612124.
Dilated cardiomyopathy 1M (CMD1M). Identifiers: Orphanet 154, MedGen C1843808, MONDO:0011840, OMIM 607482.

Allele frequency attached by ClinVar (database versions not stated): TOPMed 0.00001; gnomAD 0.00003; gnomAD exomes 0.00003 and 0.00006; ExAC 0.00005; ESP Exome Variant Server 0.00008.

Submissions (5):

Labcorp Genetics (formerly Invitae), Labcorp
Classification: Likely benign for Hypertrophic cardiomyopathy 12; Dilated cardiomyopathy 1M. Last evaluated: 2025-12-13. Review status: criteria provided, single submitter. Criteria: Invitae Variant Classification Sherloc (09022015). Collection method: clinical testing. Allele origin: germline.

PreventionGenetics, part of Exact Sciences
Classification: Likely benign for CSRP3-related condition. Last evaluated: 2025-09-23. Review status: criteria provided, single submitter. Criteria: ACMG Guidelines, 2015. Collection method: clinical testing. Allele origin: germline.
Comment: This variant is classified as likely benign based on ACMG/AMP sequence variant interpretation guidelines (Richards et al. 2015 PMID: 25741868, with internal and published modifications).

Blueprint Genetics
Classification: Likely benign. Last evaluated: 2022-07-27. Review status: criteria provided, single submitter. Criteria: ACMG Guidelines, 2015. Collection method: clinical testing. Allele origin: germline.

GeneDx
Classification: Likely benign. Last evaluated: 2021-06-04. Review status: criteria provided, single submitter. Criteria: GeneDx Variant Classification Process June 2021. Collection method: clinical testing. Allele origin: germline. Affected: yes.

Ambry Genetics
Classification: Likely benign for Cardiovascular phenotype. Last evaluated: 2017-06-19. Review status: criteria provided, single submitter. Criteria: Ambry Variant Classification Scheme 2023. Collection method: clinical testing. Allele origin: germline.

NM_003476.5(CSRP3):c.21C>T (p.Gly7=)

Gene: CSRP3 (cysteine and glycine rich protein 3; minus strand). Cytogenetic location: 11p15.1.
Variant type: single nucleotide variant.
Coding change: c.21C>T on transcript NM_003476.5 (MANE Select); coding-DNA position 21, C replaced by T.
Protein change: p.Gly7=; no amino-acid change (glycine 7 retained).
Molecular consequence: synonymous variant.
Genome position (GRCh38, 1-based): chr11:19,192,428, G>A on the plus strand (C>T on the coding strand, the complement: CSRP3 is on the minus strand). VCF-style: chr11-19192428-G-A. GRCh37 (hg19) VCF-style: chr11-19213975-G-A.
Other names: c.21C>T (LRG_440t1); c.21C>T, p.Gly7= (NM_001369404.1).
Identifiers: ClinVar variation 508995 (VCV000508995.20), dbSNP rs151177504, ClinGen allele CA5916687.